The following is an entry in ClinVar:

NM_032043.3(BRIP1):c.3371A>C (p.Glu1124Ala)

Gene: BRIP1 (BRCA1 interacting DNA helicase 1; minus strand). Cytogenetic location: 17q23.2.
Variant type: single nucleotide variant.
Coding change: c.3371A>C on transcript NM_032043.3 (MANE Select); coding-DNA position 3371, A replaced by C.
Protein change: p.Glu1124Ala; replaces glutamic acid 1124 with alanine.
Molecular consequence: missense variant.
Genome position (GRCh38, 1-based): chr17:61,683,675, T>G on the plus strand (A>C on the coding strand, the complement: BRIP1 is on the minus strand). VCF-style: chr17-61683675-T-G. GRCh37 (hg19) VCF-style: chr17-59761036-T-G.
Other names: short protein forms E1124A.
Identifiers: ClinVar variation 5033422 (VCV005033422.1).
Genomic context (GRCh38, chr17:61,683,675, plus strand): 5'-TCATCTGTATCTTCAGGATCATAAAGTTCAGGTGTAAAATAGATAGATTCATCTTCTGCT[T>G]CTGTTTCAAAATCTCTATTTGAAGTGGACTGTTTATCTTCTTCACTTACTAGAGACAATT-3'
Protein context (NP_114432.2, residues 1114-1134): QSTSNRDFET[Glu1124Ala]AEDESIYFTP

ClinVar aggregate classification (germline): Uncertain significance (1 of 4 stars; one submission).

Conditions:
Hereditary cancer-predisposing syndrome. Also called: Neoplastic Syndromes, Hereditary; Tumor predisposition; Hereditary neoplastic syndrome; Hereditary Cancer Syndrome. Identifiers: Orphanet 140162, MedGen C0027672, MeSH D009386, MONDO:0015356.

Submission:

Ambry Genetics
Classification: Uncertain significance for Hereditary cancer-predisposing syndrome. Last evaluated: 2026-07-11. Review status: criteria provided, single submitter. Criteria: Ambry Variant Classification Scheme 2023. Collection method: clinical testing. Allele origin: germline.
Comment: The p.E1124A variant (also known as c.3371A>C), located in coding exon 19 of the BRIP1 gene, results from an A to C substitution at nucleotide position 3371. The glutamic acid at codon 1124 is replaced by alanine, an amino acid with dissimilar properties. This amino acid position is conserved. In addition, this alteration is predicted to be tolerated by in silico analysis. Based on the available evidence, the clinical significance of this variant remains unclear.